The following is an entry in ClinVar:

NM_000127.3(EXT1):c.238A>G (p.Ile80Val)

Gene: EXT1 (exostosin glycosyltransferase 1; minus strand). Cytogenetic location: 8q24.11.
Variant type: single nucleotide variant.
Coding change: c.238A>G on transcript NM_000127.3 (MANE Select); coding-DNA position 238, A replaced by G.
Protein change: p.Ile80Val; replaces isoleucine 80 with valine.
Molecular consequence: missense variant.
Genome position (GRCh38, 1-based): chr8:118,110,809, T>C on the plus strand (A>G on the coding strand, the complement: EXT1 is on the minus strand). VCF-style: chr8-118110809-T-C. GRCh37 (hg19) VCF-style: chr8-119123048-T-C.
Other names: c.238A>G (NM_000127.2); short protein forms I80V.
Identifiers: ClinVar variation 1432536 (VCV001432536.10), dbSNP rs1817886276, ClinGen allele CA371916302.
Genomic context (GRCh38, chr8:118,110,809, plus strand): 5'-TGCGGCACTTCTTGCCTTTGTAGATGCTGGAGTTGGCATCTCGCTTCTGCCGGGGGGAAA[T>C]GTGCACGCTGGAATCCTCGTTTTCCAATTGATCCCAAGGAACGAAGGGGCGCAGAGCGTC-3'
Protein context (NP_000118.2, residues 70-90): QLENEDSSVH[Ile80Val]SPRQKRDANS

ClinVar aggregate classification (germline): Uncertain significance. Review status: criteria provided, multiple submitters, no conflicts (2 of 4 stars). 3 submissions from 3 submitters: Uncertain significance (3). Last evaluated 2025-05-08.

Conditions:
Chondrosarcoma. Also called: Chondrosarcoma, somatic. Identifiers: Orphanet 55880, MedGen C0008479, MONDO:0008977, OMIM 215300, HP:0006765.
Multiple congenital exostosis (EXT). Also called: Hereditary multiple exostoses; Hereditary multiple exostosis; Multiple exostoses; Multiple osteochondromas; MULTIPLE CARTILAGINOUS EXOSTOSES; Hereditary multiple osteochondromas. Identifiers: Orphanet 321, MedGen C0015306, MONDO:0005508, HP:0002762.
Inborn genetic diseases. Identifiers: MedGen C0950123, MeSH D030342.

Allele frequency attached by ClinVar (database versions not stated): TOPMed below 0.00001; gnomAD exomes 0.00001.
gnomAD v4.1: 7 of 1,613,026 alleles (0.00043%); highest among the groups gnomAD compares: Admixed American, 0.01%; no homozygotes.

Submissions (3):

Labcorp Genetics (formerly Invitae), Labcorp
Classification: Uncertain significance for Multiple congenital exostosis. Last evaluated: 2025-05-08. Review status: criteria provided, single submitter. Criteria: Invitae Variant Classification Sherloc (09022015). Collection method: clinical testing. Allele origin: germline.
Comment: This sequence change replaces isoleucine, which is neutral and non-polar, with valine, which is neutral and non-polar, at codon 80 of the EXT1 protein (p.Ile80Val). This variant is not present in population databases (gnomAD no frequency). This variant has not been reported in the literature in individuals affected with EXT1-related conditions. ClinVar contains an entry for this variant (Variation ID: 1432536). Invitae Evidence Modeling of protein sequence and biophysical properties (such as structural, functional, and spatial information, amino acid conservation, physicochemical variation, residue mobility, and thermodynamic stability) indicates that this missense variant is not expected to disrupt EXT1 protein function with a negative predictive value of 80%. In summary, the available evidence is currently insufficient to determine the role of this variant in disease. Therefore, it has been classified as a Variant of Uncertain Significance.

Ambry Genetics
Classification: Uncertain significance for Inborn genetic diseases. Last evaluated: 2025-04-03. Review status: criteria provided, single submitter. Criteria: Ambry Variant Classification Scheme 2023. Collection method: clinical testing. Allele origin: germline.

Baylor Genetics
Classification: Uncertain significance for Chondrosarcoma. Last evaluated: 2023-12-01. Review status: criteria provided, single submitter. Criteria: ACMG Guidelines, 2015. Collection method: clinical testing. Allele origin: unknown.